The following is an entry in ClinVar:

NM_001792.5(CDH2):c.2639G>C (p.Gly880Ala)

Genes: CDH2 (cadherin 2; minus strand), CDH2-AS1 (CDH2 antisense RNA 1; plus strand). Cytogenetic location: 18q12.1.
Variant type: single nucleotide variant.
Coding change: c.2639G>C on transcript NM_001792.5 (MANE Select); coding-DNA position 2639, G replaced by C.
Protein change: p.Gly880Ala; replaces glycine 880 with alanine.
Molecular consequence: missense variant.
Genome position (GRCh38, 1-based): chr18:27,952,235, C>G on the plus strand (G>C on the coding strand, the complement: CDH2 is on the minus strand). VCF-style: chr18-27952235-C-G. GRCh37 (hg19) VCF-style: chr18-25532199-C-G.
Other names: c.2546G>C, p.Gly849Ala (NM_001308176.2); c.2639G>C (NM_001792.3); short protein forms G880A, G849A.
Identifiers: ClinVar variation 1925282 (VCV001925282.6), dbSNP rs199787442, ClinGen allele CA8923099.

ClinVar aggregate classification (germline): Uncertain significance. Review status: criteria provided, multiple submitters, no conflicts (2 of 4 stars). 2 submissions from 2 submitters: Uncertain significance (2). Last evaluated 2025-12-31.

Conditions:
Inborn genetic diseases. Identifiers: MedGen C0950123, MeSH D030342.

Allele frequency attached by ClinVar (database versions not stated): gnomAD exomes below 0.00001; ExAC 0.00001; gnomAD 0.00004; TOPMed 0.00006.
gnomAD v4.1: 10 of 1,613,538 alleles (0.00062%); highest among the groups gnomAD compares: African/African-American, 0.012%; no homozygotes.

Submissions (2):

Labcorp Genetics (formerly Invitae), Labcorp
Classification: Uncertain significance. Last evaluated: 2025-12-31. Review status: criteria provided, single submitter. Criteria: Invitae Variant Classification Sherloc (09022015). Collection method: clinical testing. Allele origin: germline.
Comment: This sequence change replaces glycine, which is neutral and non-polar, with alanine, which is neutral and non-polar, at codon 880 of the CDH2 protein (p.Gly880Ala). This variant is present in population databases (rs199787442, gnomAD 0.01%). This variant has not been reported in the literature in individuals affected with CDH2-related conditions. ClinVar contains an entry for this variant (Variation ID: 1925282). An algorithm developed to predict the effect of missense changes on protein structure and function (PolyPhen-2) suggests that this variant is likely to be tolerated. In summary, the available evidence is currently insufficient to determine the role of this variant in disease. Therefore, it has been classified as a Variant of Uncertain Significance.

Ambry Genetics
Classification: Uncertain significance for Inborn genetic diseases. Last evaluated: 2024-04-09. Review status: criteria provided, single submitter. Criteria: Ambry Variant Classification Scheme 2023. Collection method: clinical testing. Allele origin: germline.
Comment: The p.G880A variant (also known as c.2639G>C), located in coding exon 16 of the CDH2 gene, results from a G to C substitution at nucleotide position 2639. The glycine at codon 880 is replaced by alanine, an amino acid with similar properties. This amino acid position is conserved. In addition, the in silico prediction for this alteration is inconclusive. Based on the available evidence, the clinical significance of this variant remains unclear.